The following is an entry in ClinVar:

ClinVar aggregate classification (germline): Likely pathogenic. Review status: criteria provided, multiple submitters, no conflicts (2 of 4 stars). 5 submissions from 5 submitters: Likely pathogenic (5). Last evaluated 2024-03-06.

Conditions:
Mitochondrial DNA depletion syndrome 1. Also called: Mitochondrial neurogastrointestinal encephalomyopathy syndrome; Mitochondrial Neurogastrointestinal Encephalopathy Disease; Mitochondrial DNA Depletion Syndrome, MNGIE Form; MITOCHONDRIAL NEUROGASTROINTESTINAL ENCEPHALOPATHY SYNDROME, TYMP-RELATED; MNGIE, TYMP-RELATED; POLIP SYNDROME. Identifiers: Orphanet 298, MedGen C4551995, MONDO:0011283, OMIM 603041.
Mitochondrial DNA depletion syndrome 4b. Also called: Mitochondrial Neurogastrointestinal Encephalopathy Disease, POLG-Related; MNGIE, POLG-RELATED. Identifiers: Orphanet 298, MedGen C3150914, MONDO:0013350, OMIM 613662.
Progressive sclerosing poliodystrophy (MTDPS4A). Also called: Mitochondrial DNA depletion syndrome 4A (Alpers type); Alpers Syndrome; ALPERS DIFFUSE DEGENERATION OF CEREBRAL GRAY MATTER WITH HEPATIC CIRRHOSIS; Mitochondrial DNA Depletion Syndrome 4A; Alpers-Huttenlocher Syndrome (AHS); ALPERS PROGRESSIVE INFANTILE POLIODYSTROPHY. Identifiers: Orphanet 726, MedGen C0205710, MONDO:0008758, OMIM 203700.
Progressive external ophthalmoplegia with mitochondrial DNA deletions, autosomal dominant 1 (PEOA1). Also called: Autosomal Dominant Progressive External Ophthalmoplegia (adPEO); PROGRESSIVE EXTERNAL OPHTHALMOPLEGIA, AUTOSOMAL DOMINANT 1. Identifiers: MedGen C1834846, MONDO:0024528, OMIM 157640.
Progressive external ophthalmoplegia with mitochondrial DNA deletions, autosomal recessive 1 (PEOB1). Also called: Progressive external ophthalmoplegia, autosomal recessive 1; Autosomal Recessive Progressive External Ophthalmoplegia (arPEO). Identifiers: Orphanet 254886, MedGen C4225153, MONDO:0009783, OMIM 258450.
Sensory ataxic neuropathy, dysarthria, and ophthalmoparesis (SANDO). Also called: Epilepsy, progressive myoclonic, type 5; Ataxia Neuropathy Spectrum (ANS); Sensory ataxic neuropathy-dysarthria-ophthalmoparesis syndrome; SENSORY ATAXIC NEUROPATHY WITH MITOCHONDRIAL DNA DELETIONS, AUTOSOMAL RECESSIVE. Identifiers: Orphanet 70595, MedGen C1843851, MONDO:0011835, OMIM 607459.

Allele frequency attached by ClinVar (database versions not stated): TOPMed below 0.00001; ExAC 0.00001; gnomAD 0.00001; gnomAD exomes 0.00001.
gnomAD v4.1: 5 of 1,613,994 alleles (0.00031%); highest among the groups gnomAD compares: East Asian, 0.0067%; no homozygotes.

Submissions (5):

Labcorp Genetics (formerly Invitae), Labcorp
Classification: Likely pathogenic for Progressive sclerosing poliodystrophy. Last evaluated: 2024-03-06. Review status: criteria provided, single submitter. Criteria: Invitae Variant Classification Sherloc (09022015). Collection method: clinical testing. Allele origin: germline.
Comment: This sequence change affects a donor splice site in intron 19 of the POLG gene. It is expected to disrupt RNA splicing. Variants that disrupt the donor or acceptor splice site typically lead to a loss of protein function (PMID: 16199547), and loss-of-function variants in POLG are known to be pathogenic (PMID: 18546365). This variant is present in population databases (rs747632869, gnomAD 0.004%). This variant has not been reported in the literature in individuals affected with POLG-related conditions. ClinVar contains an entry for this variant (Variation ID: 422378). Algorithms developed to predict the effect of sequence changes on RNA splicing suggest that this variant may disrupt the consensus splice site. In summary, the currently available evidence indicates that the variant is pathogenic, but additional data are needed to prove that conclusively. Therefore, this variant has been classified as Likely Pathogenic.

Baylor Genetics
Classification: Likely pathogenic for Progressive sclerosing poliodystrophy. Last evaluated: 2023-11-29. Review status: criteria provided, single submitter. Criteria: ACMG Guidelines, 2015. Collection method: clinical testing. Allele origin: unknown.

Fulgent Genetics
Classification: Likely pathogenic for Progressive external ophthalmoplegia with mitochondrial DNA deletions, autosomal dominant 1; Progressive sclerosing poliodystrophy; Progressive external ophthalmoplegia with mitochondrial DNA deletions, autosomal recessive 1; Mitochondrial DNA depletion syndrome 1; Sensory ataxic neuropathy, dysarthria, and ophthalmoparesis; Mitochondrial DNA depletion syndrome 4b. Last evaluated: 2021-10-04. Review status: criteria provided, single submitter. Criteria: ACMG Guidelines, 2015. Collection method: clinical testing. Allele origin: unknown.

Eurofins Ntd Llc (ga)
Classification: Likely pathogenic. Last evaluated: 2017-08-23. Review status: criteria provided, single submitter. Criteria: EGL Classification Definitions 2015. Collection method: clinical testing. Allele origin: germline. Observed: 1 variant allele, 1 heterozygote.

GeneDx
Classification: Likely pathogenic. Last evaluated: 2016-09-29. Review status: criteria provided, single submitter. Criteria: GeneDx Variant Classification (06012015). Collection method: clinical testing. Allele origin: germline. Affected: yes.
Comment: The c.3104+2 T>A variant has not been published as a pathogenic variant, nor has it been reported as a benign variant to our knowledge. The c.3104+2 T>A splice site variant destroys the canonical splice donor site in intron 19. It is predicted to cause abnormal gene splicing, either leading to an abnormal message that is subject to nonsense-mediated mRNA decay, or to an abnormal protein product if the message is used for protein translation. Furthermore, it was not observed in approximately 6,500 individuals of European and African American ancestry in the NHLBI Exome Sequencing Project, indicating it is not a common benign variant in these populations. Although this variant has not been previously reported to our knowledge, other splice site variants have been reported in the Human Gene Mutation Database in association with POLG-related disorders (Stenson et al., 2014). Therefore, this variant is likely pathogenic; however, the possibility that it is benign cannot be excluded.

Literature cited by the submitters: PubMed 16199547 (cited by Labcorp Genetics (formerly Invitae), Labcorp); PubMed 18546365 (cited by Labcorp Genetics (formerly Invitae), Labcorp).

NM_002693.3(POLG):c.3104+2T>A

Gene: POLG (DNA polymerase gamma, catalytic subunit; minus strand). Cytogenetic location: 15q26.1.
Variant type: single nucleotide variant.
Coding change: c.3104+2T>A on transcript NM_002693.3 (MANE Select); the canonical splice donor site of the intron after coding-DNA position 3104, T replaced by A.
Molecular consequence: splice donor variant.
Genome position (GRCh38, 1-based): chr15:89,319,226, A>T on the plus strand (T>A on the coding strand, the complement: POLG is on the minus strand). VCF-style: chr15-89319226-A-T. GRCh37 (hg19) VCF-style: chr15-89862457-A-T.
Other names: c.3104+2T>A (NM_001126131.2).
Identifiers: ClinVar variation 422378 (VCV000422378.12), dbSNP rs747632869, ClinGen allele CA7724257.